The following is an entry in ClinVar:

ClinVar aggregate classification (germline): Uncertain significance (1 of 4 stars; one submission).

Submission:

GeneDx
Classification: Uncertain significance. Last evaluated: 2022-08-27. Review status: criteria provided, single submitter. Criteria: GeneDx Variant Classification Process June 2021. Collection method: clinical testing. Allele origin: germline. Affected: yes.
Comment: Not observed at significant frequency in large population cohorts (gnomAD); In silico analysis supports that this missense variant has a deleterious effect on protein structure/function; Has not been previously published as pathogenic or benign to our knowledge

NC_000023.11:g.48903017C>G

Genes: PQBP1 (polyglutamine binding protein 1; plus strand), SLC35A2 (solute carrier family 35 member A2; minus strand). Cytogenetic location: Xp11.23.
Variant type: single nucleotide variant.
Molecular consequence: missense variant (on NM_001032382.2).
Genome position: GRCh38 VCF-style: chrX-48903017-C-G. GRCh37 (hg19) VCF-style: chrX-48760294-C-G.
Other names: c.731C>G, p.Pro244Arg (NM_001032381.2, NM_001032382.2, NM_001032383.2 and 2 more transcripts); c.728C>G, p.Pro243Arg (NM_001167989.2); c.707C>G, p.Pro236Arg (NM_001167990.2); c.431C>G, p.Pro144Arg (NM_001167992.1); c.446C>G, p.Pro149Arg (NM_144495.3); short protein forms P144R, P149R, P236R, P243R, P244R.
Identifiers: ClinVar variation 2442711 (VCV002442711.1), dbSNP rs878853145, ClinGen allele CA412891769.